The following is an entry in ClinVar:

ClinVar aggregate classification (germline): Uncertain significance (1 of 4 stars; one submission).

Conditions:
Sphingolipid activator protein 1 deficiency. Also called: Metachromatic leukodystrophy due to saposin B deficiency; METACHROMATIC LEUKODYSTROPHY DUE TO CEREBROSIDE SULFATASE ACTIVATOR DEFICIENCY; Saposin B Deficiency. Identifiers: Orphanet 512, MedGen C0268262, MONDO:0009590, OMIM 249900.

Submission:

Labcorp Genetics (formerly Invitae), Labcorp
Classification: Uncertain significance for Sphingolipid activator protein 1 deficiency. Last evaluated: 2023-11-01. Review status: criteria provided, single submitter. Criteria: Invitae Variant Classification Sherloc (09022015). Collection method: clinical testing. Allele origin: germline.
Comment: This sequence change falls in intron 5 of the PSAP gene. It does not directly change the encoded amino acid sequence of the PSAP protein. It affects a nucleotide within the consensus splice site. This variant is not present in population databases (gnomAD no frequency). This variant has not been reported in the literature in individuals affected with PSAP-related conditions. ClinVar contains an entry for this variant (Variation ID: 2156368). Variants that disrupt the consensus splice site are a relatively common cause of aberrant splicing (PMID: 17576681, 9536098). Algorithms developed to predict the effect of sequence changes on RNA splicing suggest that this variant is not likely to affect RNA splicing. In summary, the available evidence is currently insufficient to determine the role of this variant in disease. Therefore, it has been classified as a Variant of Uncertain Significance.

Literature cited by the submitters: PubMed 17576681; PubMed 9536098.

NM_002778.4(PSAP):c.577-3T>C

Gene: PSAP (prosaposin; minus strand). Cytogenetic location: 10q22.1.
Variant type: single nucleotide variant.
Coding change: c.577-3T>C on transcript NM_002778.4 (MANE Select); 3 bases into the intron before coding-DNA position 577, T replaced by C.
Molecular consequence: intron variant.
Genome position (GRCh38, 1-based): chr10:71,828,160, A>G on the plus strand (T>C on the coding strand, the complement: PSAP is on the minus strand). VCF-style: chr10-71828160-A-G. GRCh37 (hg19) VCF-style: chr10-73587917-A-G.
Other names: c.577-3T>C (NM_001042466.3, NM_001042465.3).
Identifiers: ClinVar variation 2156368 (VCV002156368.4), dbSNP rs2133043677, ClinGen allele CA2580081857.